The following is an entry in ClinVar:

NM_004380.3(CREBBP):c.2305del (p.Met769fs)

Gene: CREBBP (CREB binding lysine acetyltransferase; minus strand). Cytogenetic location: 16p13.3.
Variant type: Deletion.
Coding change: c.2305del on transcript NM_004380.3 (MANE Select); coding-DNA position 2305, one base deleted (A; older notation c.2305delA).
Protein change: p.Met769fs; shifts the reading frame from methionine 769.
Molecular consequence: frameshift variant.
Genome position (GRCh38, 1-based): chr16:3,773,909, T deleted on the plus strand (A on the coding strand, the reverse complement: CREBBP is on the minus strand); the first of 2 consecutive T bases (chr16:3,773,909-3,773,910); deleting either gives the same sequence. VCF-style (leftmost placement, unchanged base first): chr16-3773908-AT-A. GRCh37 (hg19) VCF-style: chr16-3823909-AT-A.
Other names: c.2191del, p.Met731fs (NM_001079846.1); short protein forms M731fs, M769fs.
Identifiers: ClinVar variation 4855779 (VCV004855779.1).
Genomic context (GRCh38, chr16:3,773,908, plus strand): 5'-GCGGGCGCCTGGGCCATCATGTTGTTGGTGTGTGCACCCATCATGTTCGGAGGCTGAGGC[AT>A]TCGGGAAGGAGAAATGGCCATCTACGAGACAACAAGCACCACCAGAGCTGTAGTTCGGAA-3'

ClinVar aggregate classification (germline): Likely pathogenic (1 of 4 stars; one submission).

Conditions:
Rubinstein-Taybi syndrome due to CREBBP mutations (RSTS1). Also called: RUBINSTEIN-TAYBI SYNDROME 1, INCOMPLETE; RUBINSTEIN SYNDROME; Rubinstein-Taybi syndrome 1; CREBBP-Related Rubinstein-Taybi Syndrome; BROAD THUMB-HALLUX SYNDROME; BROAD THUMBS AND GREAT TOES, CHARACTERISTIC FACIES, AND IMPAIRED INTELLECTUAL DEVELOPMENT. Identifiers: Orphanet 353277, Orphanet 783, MedGen C4551859, MONDO:0008393, OMIM 180849.

Submission:

3billion
Classification: Likely pathogenic for Rubinstein-Taybi syndrome due to CREBBP mutations. Last evaluated: 2025-12-10. Review status: criteria provided, single submitter. Criteria: ACMG Guidelines, 2015. Collection method: clinical testing. Allele origin: germline. Affected: yes.
Comment: The variant is not observed in the gnomAD v4.1.0 dataset. Predicted Consequence/Location: Frameshift: predicted to result in a loss or disruption of normal protein function through nonsense-mediated decay (NMD) or protein truncation. Multiple pathogenic variants are reported downstream of the variant. Therefore, this variant is classified as Likely pathogenic according to the recommendation of ACMG/AMP guideline.